The following is an entry in ClinVar:

NM_002633.3(PGM1):c.264C>T (p.Ile88=)

Gene: PGM1 (phosphoglucomutase 1; plus strand). Cytogenetic location: 1p31.3.
Variant type: single nucleotide variant.
Coding change: c.264C>T on transcript NM_002633.3 (MANE Select); coding-DNA position 264, C replaced by T.
Protein change: p.Ile88=; no amino-acid change (isoleucine 88 retained).
Molecular consequence: synonymous variant. On other transcripts: 5 prime UTR variant (1).
Genome position (GRCh38, 1-based): chr1:63,629,442, C>T. VCF-style: chr1-63629442-C-T. GRCh37 (hg19) VCF-style: chr1-64095113-C-T.
Other names: c.318C>T, p.Ile106= (NM_001172818.1); c.-328C>T (NM_001172819.2).
Identifiers: ClinVar variation 385810 (VCV000385810.5), dbSNP rs200946909, ClinGen allele CA889500.

ClinVar aggregate classification (germline): Likely benign. Review status: criteria provided, multiple submitters, no conflicts (2 of 4 stars). 2 submissions from 2 submitters: Likely benign (2). Last evaluated 2024-10-08.

Conditions:
PGM1-congenital disorder of glycosylation. Also called: Congenital disorder of glycosylation type 1t; PHOSPHOGLUCOMUTASE 1 DEFICIENCY; PGM1 DEFICIENCY; GLYCOGEN STORAGE DISEASE XIV; CDG It; GSD XIV. Identifiers: Orphanet 319646, MedGen C2752015, MONDO:0013968, OMIM 614921.

Allele frequency attached by ClinVar (database versions not stated): gnomAD 0.00003; ExAC 0.00006; TOPMed 0.00008.
gnomAD v4.1: 69 of 1,612,920 alleles (0.0043%); highest among the groups gnomAD compares: East Asian, 0.0089%; no homozygotes.

Submissions (2):

Labcorp Genetics (formerly Invitae), Labcorp
Classification: Likely benign for PGM1-congenital disorder of glycosylation. Last evaluated: 2024-10-08. Review status: criteria provided, single submitter. Criteria: Invitae Variant Classification Sherloc (09022015). Collection method: clinical testing. Allele origin: germline.

GeneDx
Classification: Likely benign. Last evaluated: 2016-05-13. Review status: criteria provided, single submitter. Criteria: GeneDx Variant Classification (06012015). Collection method: clinical testing. Allele origin: germline. Affected: yes.
Comment: This variant is considered likely benign or benign based on one or more of the following criteria: it is a conservative change, it occurs at a poorly conserved position in the protein, it is predicted to be benign by multiple in silico algorithms, and/or has population frequency not consistent with disease.